The following is an entry in ClinVar:

NM_198525.3(KIF7):c.1879GAG[4] (p.Glu631del)

Gene: KIF7 (kinesin family member 7; minus strand). Cytogenetic location: 15q26.1.
Variant type: Microsatellite.
Coding change: c.1879GAG[4] on transcript NM_198525.3 (MANE Select); four copies in a row of the 3-base unit GAG starting at c.1879; the reference has five copies in a row; one copy, 3 bases deleted; also written c.1891_1893del.
Protein change: p.Glu631del; deletes glutamic acid 631.
Molecular consequence: inframe deletion.
Genome position (GRCh38, 1-based): chr15:89,645,922-89,645,924, CTC deleted on the plus strand (GAG on the coding strand, the reverse complement: KIF7 is on the minus strand); deleting any 3 consecutive bases within chr15:89,645,922-89,645,936 gives the same sequence; the position shown is the placement nearest the transcript's 3' end. VCF-style (leftmost placement, unchanged base first): chr15-89645921-GCTC-G. GRCh37 (hg19) VCF-style: chr15-90189152-GCTC-G.
Other names: c.1891_1893del (NM_198525.3); short protein forms E631del.
Identifiers: ClinVar variation 1367331 (VCV001367331.5), dbSNP rs750610579, ClinGen allele CA7728423.

ClinVar aggregate classification (germline): Uncertain significance. Review status: criteria provided, multiple submitters, no conflicts (2 of 4 stars). 2 submissions from 2 submitters: Uncertain significance (2). Last evaluated 2024-05-27.

Conditions:
Acrocallosal syndrome (ACLS). Also called: HALLUX DUPLICATION, POSTAXIAL POLYDACTYLY, AND ABSENCE OF CORPUS CALLOSUM; Schinzel syndrome 1; Absence of corpus callosum with unusual facial appearance, mental deficiency, duplication of the halluces and polydactyly. Identifiers: Orphanet 36, MedGen C0796147, MONDO:0008708, OMIM 200990.
Multiple epiphyseal dysplasia, Al-Gazali type. Also called: Macrocephaly with multiple epiphyseal dysplasia and distinctive facies. Identifiers: Orphanet 166024, MedGen C1846722, MONDO:0011778, OMIM 607131.
Hydrolethalus syndrome 2 (HLS2). Identifiers: Orphanet 2189, MedGen C3279899, MONDO:0013585, OMIM 614120.

Submissions (2):

Fulgent Genetics
Classification: Uncertain significance for Acrocallosal syndrome; Multiple epiphyseal dysplasia, Al-Gazali type; Hydrolethalus syndrome 2. Last evaluated: 2024-05-27. Review status: criteria provided, single submitter. Criteria: ACMG Guidelines, 2015. Collection method: clinical testing. Allele origin: germline.

Labcorp Genetics (formerly Invitae), Labcorp
Classification: Uncertain significance for Acrocallosal syndrome. Last evaluated: 2022-06-03. Review status: criteria provided, single submitter. Criteria: Invitae Variant Classification Sherloc (09022015). Collection method: clinical testing. Allele origin: germline.
Comment: In summary, the available evidence is currently insufficient to determine the role of this variant in disease. Therefore, it has been classified as a Variant of Uncertain Significance. Experimental studies and prediction algorithms are not available or were not evaluated, and the functional significance of this variant is currently unknown. This variant has not been reported in the literature in individuals affected with KIF7-related conditions. The frequency data for this variant in the population databases is considered unreliable, as metrics indicate poor data quality at this position in the gnomAD database. This variant, c.1891_1893del, results in the deletion of 1 amino acid(s) of the KIF7 protein (p.Glu631del), but otherwise preserves the integrity of the reading frame.